The following is an entry in ClinVar:

ClinVar aggregate classification (germline): Uncertain significance (1 of 4 stars; one submission).

Allele frequency attached by ClinVar (database versions not stated): gnomAD exomes below 0.00001.

Submission:

Labcorp Genetics (formerly Invitae), Labcorp
Classification: Uncertain significance. Last evaluated: 2021-01-18. Review status: criteria provided, single submitter. Criteria: Invitae Variant Classification Sherloc (09022015). Collection method: clinical testing. Allele origin: germline.
Comment: In summary, the available evidence is currently insufficient to determine the role of this variant in disease. Therefore, it has been classified as a Variant of Uncertain Significance. Algorithms developed to predict the effect of missense changes on protein structure and function (SIFT, PolyPhen-2, Align-GVGD) all suggest that this variant is likely to be tolerated, but these predictions have not been confirmed by published functional studies and their clinical significance is uncertain. This variant has not been reported in the literature in individuals with STN1-related conditions. This variant is not present in population databases (ExAC no frequency). This sequence change replaces histidine with arginine at codon 301 of the STN1 protein (p.His301Arg). The histidine residue is moderately conserved and there is a small physicochemical difference between histidine and arginine.

NM_024928.5(STN1):c.902A>G (p.His301Arg)

Gene: STN1 (STN1 subunit of CST complex; minus strand). Cytogenetic location: 10q24.33.
Variant type: single nucleotide variant.
Coding change: c.902A>G on transcript NM_024928.5 (MANE Select); coding-DNA position 902, A replaced by G.
Protein change: p.His301Arg; replaces histidine 301 with arginine.
Molecular consequence: missense variant.
Genome position (GRCh38, 1-based): chr10:103,889,119, T>C on the plus strand (A>G on the coding strand, the complement: STN1 is on the minus strand). VCF-style: chr10-103889119-T-C. GRCh37 (hg19) VCF-style: chr10-105648877-T-C.
Other names: short protein forms H301R.
Identifiers: ClinVar variation 1489440 (VCV001489440.7), dbSNP rs1195859795, ClinGen allele CA378043800.